The following is an entry in ClinVar:

ClinVar aggregate classification (germline): Likely benign (1 of 4 stars; one submission).

gnomAD v4.1: 50 of 1,597,686 alleles (0.0031%); highest among the groups gnomAD compares: South Asian, 0.026%; no homozygotes.

Submission:

CeGaT Center for Human Genetics Tuebingen
Classification: Likely benign. Last evaluated: 2026-09-01. Review status: criteria provided, single submitter. Criteria: CeGaT Center For Human Genetics Tuebingen Variant Classification Criteria Version 2. Collection method: clinical testing. Allele origin: germline. Affected: yes. Observed: 1 variant allele.
Comment: CFAP74: BP4, BP7

NM_001304360.2(CFAP74):c.309C>T (p.Arg103=)

Gene: CFAP74 (cilia and flagella associated protein 74; minus strand). Cytogenetic location: 1p36.33.
Variant type: single nucleotide variant.
Coding change: c.309C>T on transcript NM_001304360.2 (MANE Select); coding-DNA position 309, C replaced by T.
Protein change: p.Arg103=; no amino-acid change (arginine 103 retained).
Molecular consequence: synonymous variant.
Genome position (GRCh38, 1-based): chr1:1,987,023, G>A on the plus strand (C>T on the coding strand, the complement: CFAP74 is on the minus strand). VCF-style: chr1-1987023-G-A. GRCh37 (hg19) VCF-style: chr1-1918462-G-A.
Identifiers: ClinVar variation 5041297 (VCV005041297.1).
Genomic context (GRCh38, chr1:1,987,023, plus strand): 5'-GATCTCGGCTGCCACAGCCTCCTGCTGCTTGTCGATCAGGTCCCGCCTCTGCCGACAGGC[G>A]CGCAGCTCCCCTCTGGAACAGGGAAACAAAGGTCAGATGATGGTTCCCTGAAACTCCAGC-3'
Protein context (NP_001291289.1, residues 93-113): LFTEKMRGEL[Arg103=]ACRQRRDLID